The following is an entry in ClinVar:

ClinVar aggregate classification (germline): Pathogenic (1 of 4 stars; one submission).

Conditions:
Tuberous sclerosis 1 (TSC1). Identifiers: Orphanet 805, MedGen C1854465, MONDO:0008612, OMIM 191100.

Submission:

Labcorp Genetics (formerly Invitae), Labcorp
Classification: Pathogenic for Tuberous sclerosis 1. Last evaluated: 2025-11-17. Review status: criteria provided, single submitter. Criteria: Invitae Variant Classification Sherloc (09022015). Collection method: clinical testing. Allele origin: germline.
Comment: This sequence change creates a premature translational stop signal (p.Asn762Ilefs*11) in the TSC1 gene. It is expected to result in an absent or disrupted protein product. Loss-of-function variants in TSC1 are known to be pathogenic (PMID: 10227394, 17304050). This variant is not present in population databases (gnomAD no frequency). This variant has not been reported in the literature in individuals affected with TSC1-related conditions. ClinVar contains an entry for this variant (Variation ID: 2757049). For these reasons, this variant has been classified as Pathogenic.

Literature cited by the submitters: PubMed 10227394; PubMed 17304050.

NM_000368.5(TSC1):c.2285del (p.Asn762fs)

Gene: TSC1 (TSC complex subunit 1; minus strand). Cytogenetic location: 9q34.13.
Variant type: Deletion.
Coding change: c.2285del on transcript NM_000368.5 (MANE Select); coding-DNA position 2285, one base deleted (A; older notation c.2285delA).
Protein change: p.Asn762fs; shifts the reading frame from asparagine 762.
Molecular consequence: frameshift variant. On other transcripts: non-coding transcript variant (5).
Genome position (GRCh38, 1-based): chr9:132,902,711, T deleted on the plus strand (A on the coding strand, the reverse complement: TSC1 is on the minus strand); the first of 2 consecutive T bases (chr9:132,902,711-132,902,712); deleting either gives the same sequence. VCF-style (leftmost placement, unchanged base first): chr9-132902710-AT-A. GRCh37 (hg19) VCF-style: chr9-135778097-AT-A.
Other names: c.1334del, p.Asn445fs (NM_001406626.1); c.1331del, p.Asn444fs (NM_001406627.1, NM_001406628.1); c.1232del, p.Asn411fs (NM_001406629.1, NM_001406630.1); c.2282del, p.Asn761fs (NM_001162426.2, NM_001406597.1, NM_001406598.1 and 4 more transcripts); c.2132del, p.Asn711fs (NM_001162427.2, NM_001406610.1); c.1922del, p.Asn641fs (NM_001362177.2, NM_001406614.1, NM_001406615.1 and 5 more transcripts); c.2285del, p.Asn762fs (NM_001406592.1, NM_001406593.1, NM_001406594.1 and 5 more transcripts); c.2270del, p.Asn757fs (NM_001406601.1, NM_001406602.1); and 3 more; short protein forms N641fs, N711fs, N761fs, N411fs, N757fs, N444fs, N445fs, N710fs.
Identifiers: ClinVar variation 2757049 (VCV002757049.3), dbSNP rs2538618528, ClinGen allele CA2697558133.